The following is an entry in ClinVar:

ClinVar aggregate classification (germline): Uncertain significance (1 of 4 stars; one submission).

Conditions:
Lethal congenital glycogen storage disease of heart. Also called: GLYCOGEN STORAGE DISEASE OF HEART; PHOSPHORYLASE KINASE DEFICIENCY OF HEART. Identifiers: Orphanet 439854, MedGen C1849813, MONDO:0009867, OMIM 261740.

Submission:

Labcorp Genetics (formerly Invitae), Labcorp
Classification: Uncertain significance for Lethal congenital glycogen storage disease of heart. Last evaluated: 2023-01-02. Review status: criteria provided, single submitter. Criteria: Invitae Variant Classification Sherloc (09022015). Collection method: clinical testing. Allele origin: germline.
Comment: In summary, the available evidence is currently insufficient to determine the role of this variant in disease. Therefore, it has been classified as a Variant of Uncertain Significance. Algorithms developed to predict the effect of missense changes on protein structure and function (SIFT, PolyPhen-2, Align-GVGD) all suggest that this variant is likely to be disruptive. This missense change has been observed in individual(s) with clinical features of PRKAG2-related conditions (PMID: 32646569). This variant is not present in population databases (gnomAD no frequency). This sequence change replaces phenylalanine, which is neutral and non-polar, with valine, which is neutral and non-polar, at codon 323 of the PRKAG2 protein (p.Phe323Val).

Literature cited by the submitters: PubMed 32646569.

NM_016203.4(PRKAG2):c.967T>G (p.Phe323Val)

Gene: PRKAG2 (protein kinase AMP-activated non-catalytic subunit gamma 2; minus strand). Cytogenetic location: 7q36.1.
Variant type: single nucleotide variant.
Coding change: c.967T>G on transcript NM_016203.4 (MANE Select); coding-DNA position 967, T replaced by G.
Protein change: p.Phe323Val; replaces phenylalanine 323 with valine.
Molecular consequence: missense variant.
Genome position (GRCh38, 1-based): chr7:151,574,929, A>C on the plus strand (T>G on the coding strand, the complement: PRKAG2 is on the minus strand). VCF-style: chr7-151574929-A-C. GRCh37 (hg19) VCF-style: chr7-151272015-A-C.
Other names: c.835T>G, p.Phe279Val (NM_001040633.2); c.592T>G, p.Phe198Val (NM_001304527.2); c.244T>G, p.Phe82Val (NM_001304531.2, NM_024429.2); c.595T>G, p.Phe199Val (NM_001363698.2); short protein forms F323V, F199V, F279V, F82V, F198V.
Identifiers: ClinVar variation 2780127 (VCV002780127.3), dbSNP rs397517283, ClinGen allele CA014692.